The following is an entry in ClinVar:

ClinVar aggregate classification (germline): Uncertain significance (1 of 4 stars; one submission).

Conditions:
Charcot-Marie-Tooth disease axonal type 2O. Also called: CHARCOT-MARIE-TOOTH NEUROPATHY, AXONAL, TYPE 2O; CHARCOT-MARIE-TOOTH DISEASE, AXONAL, AUTOSOMAL DOMINANT, TYPE 2O; Charcot-Marie-Tooth Neuropathy Type 2O; Charcot-Marie-Tooth disease, axonal, type 20. Identifiers: Orphanet 284232, MedGen C3280220, MONDO:0013644, OMIM 614228.

Submission:

Labcorp Genetics (formerly Invitae), Labcorp
Classification: Uncertain significance for Charcot-Marie-Tooth disease axonal type 2O. Last evaluated: 2023-07-11. Review status: criteria provided, single submitter. Criteria: Invitae Variant Classification Sherloc (09022015). Collection method: clinical testing. Allele origin: unknown.
Comment: In summary, the available evidence is currently insufficient to determine the role of this variant in disease. Therefore, it has been classified as a Variant of Uncertain Significance. This variant has not been reported in the literature in individuals affected with DYNC1H1-related conditions. This variant results in a copy number gain of the genomic region encompassing exon(s) 11-40 of the DYNC1H1 gene. While the exact position of this variant cannot be determined from the data, sub-genic copy number gains are generally in tandem (PMID: 25640679). This variant is predicted to be out-of-frame, and may result in an absent or disrupted protein product. However, the current clinical and genetic evidence is not sufficient to establish whether loss-of-function variants in DYNC1H1 cause disease.

Literature cited by the submitters: PubMed 25640679.

NC_000014.8:g.(?_102457844)_(102483861_?)dup

Gene: DYNC1H1 (dynein cytoplasmic 1 heavy chain 1; plus strand). Cytogenetic location: 14q32.31.
Variant type: Duplication.
Identifiers: ClinVar variation 3244020 (VCV003244020.1).